The following is an entry in ClinVar:

ClinVar aggregate classification (germline): Pathogenic/Likely pathogenic. Review status: criteria provided, multiple submitters, no conflicts (2 of 4 stars). 4 submissions from 4 submitters: Pathogenic (2); Likely pathogenic (2). Last evaluated 2024-03-17.

Conditions:
Meckel-Gruber syndrome. Also called: DYSENCEPHALIA SPLANCHNOCYSTICA; GRUBER SYNDROME; Dysencephalia splachnocystica. Identifiers: Orphanet 564, MedGen C0265215, MONDO:0018921.
Nephronophthisis. Also called: Juvenile Nephronophthisis. Identifiers: Orphanet 655, MedGen C0687120, MONDO:0019005, HP:0000090.
Joubert syndrome. Also called: CEREBELLOPARENCHYMAL DISORDER IV; JOUBERT-BOLTSHAUSER SYNDROME; Familial aplasia of the vermis. Identifiers: Orphanet 475, MedGen C5979921, MONDO:0018772.
Senior-Loken syndrome 6 (SLSN6). Identifiers: Orphanet 3156, MedGen C1857779, MONDO:0012433, OMIM 610189.
Leber congenital amaurosis 10 (LCA10). Identifiers: Orphanet 65, MedGen C1857821, MONDO:0012723, OMIM 611755.
Bardet-Biedl syndrome 14 (BBS14). Identifiers: Orphanet 110, MedGen C2673874, MONDO:0014442, OMIM 615991.
Meckel syndrome, type 4 (MKS4). Also called: MECKEL-GRUBER SYNDROME, TYPE 4. Identifiers: Orphanet 564, MedGen C1970161, MONDO:0012626, OMIM 611134.
Joubert syndrome 5 (JBTS5). Identifiers: Orphanet 2318, MedGen C1857780, MONDO:0012432, OMIM 610188.

Submissions (4):

Baylor Genetics
Classification: Pathogenic for Bardet-Biedl syndrome 14. Last evaluated: 2024-03-17. Review status: criteria provided, single submitter. Criteria: ACMG Guidelines, 2015. Collection method: clinical testing. Allele origin: unknown.

Fulgent Genetics
Classification: Likely pathogenic for Joubert syndrome 5; Senior-Loken syndrome 6; Meckel syndrome, type 4; Leber congenital amaurosis 10; Bardet-Biedl syndrome 14. Last evaluated: 2024-02-14. Review status: criteria provided, single submitter. Criteria: ACMG Guidelines, 2015. Collection method: clinical testing. Allele origin: germline.

Labcorp Genetics (formerly Invitae), Labcorp
Classification: Pathogenic for Joubert syndrome; Meckel-Gruber syndrome; Nephronophthisis. Last evaluated: 2023-12-19. Review status: criteria provided, single submitter. Criteria: Invitae Variant Classification Sherloc (09022015). Collection method: clinical testing. Allele origin: germline.
Comment: This sequence change creates a premature translational stop signal (p.Gln123Hisfs*2) in the CEP290 gene. It is expected to result in an absent or disrupted protein product. Loss-of-function variants in CEP290 are known to be pathogenic (PMID: 16909394, 17345604, 20690115). This variant is present in population databases (rs773622064, gnomAD 0.02%). This variant has not been reported in the literature in individuals affected with CEP290-related conditions. ClinVar contains an entry for this variant (Variation ID: 817646). Algorithms developed to predict the effect of sequence changes on RNA splicing suggest that this variant may disrupt the consensus splice site. For these reasons, this variant has been classified as Pathogenic.

GeneDx
Classification: Likely pathogenic. Last evaluated: 2018-12-20. Review status: criteria provided, single submitter. Criteria: GeneDx Variant Classification (06012015). Collection method: clinical testing. Allele origin: germline. Affected: yes.
Comment: The c.369delA variant in the CEP290 gene has not been reported previously as a pathogenic variant nor as a benign variant, to our knowledge. The c.369delA variant causes a frameshift starting with codon Glutamine 123, changes this amino acid to a Histidine residue, and creates a premature Stop codon at position 2 of the new reading frame, denoted p.Gln123HisfsX2. This variant is predicted to cause loss of normal protein function either through protein truncation or nonsense-mediated mRNA decay. The c.369delA variant is observed in 4/24008 (0.017%) alleles from individuals of African background in large population cohorts (Lek et al., 2016). We interpret c.369delA as a likely pathogenic variant.

Literature cited by the submitters: PubMed 16909394 (cited by Labcorp Genetics (formerly Invitae), Labcorp); PubMed 17345604 (cited by Labcorp Genetics (formerly Invitae), Labcorp); PubMed 20690115 (cited by Labcorp Genetics (formerly Invitae), Labcorp).

NM_025114.4(CEP290):c.369del (p.Gln123fs)

Gene: CEP290 (centrosomal protein 290; minus strand). Cytogenetic location: 12q21.32.
Variant type: Deletion.
Coding change: c.369del on transcript NM_025114.4 (MANE Select); coding-DNA position 369, one base deleted (A; older notation c.369delA).
Protein change: p.Gln123fs; shifts the reading frame from glutamine 123.
Molecular consequence: frameshift variant.
Genome position (GRCh38, 1-based): chr12:88,136,715, T deleted on the plus strand (A on the coding strand, the reverse complement: CEP290 is on the minus strand); the first of 2 consecutive T bases (chr12:88,136,715-88,136,716); deleting either gives the same sequence. VCF-style (leftmost placement, unchanged base first): chr12-88136714-AT-A. GRCh37 (hg19) VCF-style: chr12-88530491-AT-A.
Other names: short protein forms Q123fs.
Identifiers: ClinVar variation 817646 (VCV000817646.12), dbSNP rs773622064, ClinGen allele CA6712820.
Genomic context (GRCh38, chr12:88,136,714, plus strand): 5'-CTTTCTTCTCTTTCTCCAACTCCTTTTCCATGTCCTCCAATTCTCTATCTTTTTGTTCTA[AT>A]TGTTTTTCAAGTTGGCAAATTTCATTACGTAAAAACCGAGTATCTCGTCCACCTGCAGAC-3'